The following is an entry in ClinVar:

NM_004565.3(PEX14):c.279C>A (p.His93Gln)

Gene: PEX14 (peroxisomal biogenesis factor 14; plus strand). Cytogenetic location: 1p36.22.
Variant type: single nucleotide variant.
Coding change: c.279C>A on transcript NM_004565.3 (MANE Select); coding-DNA position 279, C replaced by A.
Protein change: p.His93Gln; replaces histidine 93 with glutamine.
Molecular consequence: missense variant.
Genome position (GRCh38, 1-based): chr1:10,599,347, C>A. VCF-style: chr1-10599347-C-A. GRCh37 (hg19) VCF-style: chr1-10659404-C-A.
Other names: short protein forms H93Q.
Identifiers: ClinVar variation 1369045 (VCV001369045.6), dbSNP rs1238733367, ClinGen allele CA338690515.

ClinVar aggregate classification (germline): Uncertain significance (1 of 4 stars; one submission).

Conditions:
Peroxisome biogenesis disorder, complementation group K (CGK). Identifiers: MedGen C1866257, MONDO:0800365.

Submission:

Labcorp Genetics (formerly Invitae), Labcorp
Classification: Uncertain significance for Peroxisome biogenesis disorder, complementation group K. Last evaluated: 2022-11-08. Review status: criteria provided, single submitter. Criteria: Invitae Variant Classification Sherloc (09022015). Collection method: clinical testing. Allele origin: germline.
Comment: ClinVar contains an entry for this variant (Variation ID: 1369045). This variant has not been reported in the literature in individuals affected with PEX14-related conditions. This variant is not present in population databases (gnomAD no frequency). This sequence change replaces histidine, which is basic and polar, with glutamine, which is neutral and polar, at codon 93 of the PEX14 protein (p.His93Gln). Advanced modeling of protein sequence and biophysical properties (such as structural, functional, and spatial information, amino acid conservation, physicochemical variation, residue mobility, and thermodynamic stability) performed at Invitae indicates that this missense variant is not expected to disrupt PEX14 protein function. In summary, the available evidence is currently insufficient to determine the role of this variant in disease. Therefore, it has been classified as a Variant of Uncertain Significance.